The following is an entry in ClinVar:

NM_004104.5(FASN):c.365G>A (p.Arg122Gln)

Gene: FASN (fatty acid synthase; minus strand). Cytogenetic location: 17q25.3.
Variant type: single nucleotide variant.
Coding change: c.365G>A on transcript NM_004104.5 (MANE Select); coding-DNA position 365, G replaced by A.
Protein change: p.Arg122Gln; replaces arginine 122 with glutamine.
Molecular consequence: missense variant.
Genome position (GRCh38, 1-based): chr17:82,093,687, C>T on the plus strand (G>A on the coding strand, the complement: FASN is on the minus strand). VCF-style: chr17-82093687-C-T. GRCh37 (hg19) VCF-style: chr17-80051563-C-T.
Other names: short protein forms R122Q.
Identifiers: ClinVar variation 939072 (VCV000939072.8), dbSNP rs139728499, ClinGen allele CA8853550.

ClinVar aggregate classification (germline): Uncertain significance (1 of 4 stars; one submission).

Conditions:
Epileptic encephalopathy. Identifiers: MedGen C0543888, HP:0200134.

Allele frequency attached by ClinVar (database versions not stated): ExAC 0.00001; gnomAD exomes 0.00002 and 0.00003; TOPMed 0.00004; gnomAD 0.00005; ESP Exome Variant Server 0.00008.
gnomAD v4.1: 57 of 1,612,656 alleles (0.0035%); highest among the groups gnomAD compares: South Asian, 0.013%; no homozygotes.

Submission:

Labcorp Genetics (formerly Invitae), Labcorp
Classification: Uncertain significance for Epileptic encephalopathy. Last evaluated: 2025-06-15. Review status: criteria provided, single submitter. Criteria: Invitae Variant Classification Sherloc (09022015). Collection method: clinical testing. Allele origin: germline.
Comment: This sequence change replaces arginine, which is basic and polar, with glutamine, which is neutral and polar, at codon 122 of the FASN protein (p.Arg122Gln). This variant is present in population databases (rs139728499, gnomAD 0.01%). This variant has not been reported in the literature in individuals affected with FASN-related conditions. ClinVar contains an entry for this variant (Variation ID: 939072). An algorithm developed to predict the effect of missense changes on protein structure and function (PolyPhen-2) suggests that this variant is likely to be tolerated. In summary, the available evidence is currently insufficient to determine the role of this variant in disease. Therefore, it has been classified as a Variant of Uncertain Significance.